The following is an entry in ClinVar:

ClinVar aggregate classification (germline): Uncertain significance (1 of 4 stars; one submission).

Submission:

GeneDx
Classification: Uncertain significance. Last evaluated: 2025-06-23. Review status: criteria provided, single submitter. Criteria: GeneDx Variant Classification Process June 2021. Collection method: clinical testing. Allele origin: germline. Affected: yes.
Comment: Not observed at significant frequency in large population cohorts (gnomAD); In silico analysis supports that this missense variant has a deleterious effect on protein structure/function; Has not been previously published as pathogenic or benign to our knowledge

NM_001287491.2(TET3):c.5041C>T (p.Pro1681Ser)

Gene: TET3 (tet methylcytosine dioxygenase 3; plus strand). Cytogenetic location: 2p13.1.
Variant type: single nucleotide variant.
Coding change: c.5041C>T on transcript NM_001287491.2 (MANE Select); coding-DNA position 5041, C replaced by T.
Protein change: p.Pro1681Ser; replaces proline 1681 with serine.
Molecular consequence: missense variant.
Genome position (GRCh38, 1-based): chr2:74,101,829, C>T. VCF-style: chr2-74101829-C-T. GRCh37 (hg19) VCF-style: chr2-74328956-C-T.
Other names: c.4762C>T, p.Pro1588Ser (NM_001366022.1); short protein forms P1588S, P1681S.
Identifiers: ClinVar variation 4540168 (VCV004540168.1).